The following is an entry in ClinVar:

NM_001164665.2(KIAA1549):c.1640A>G (p.Gln547Arg)

Gene: KIAA1549 (KIAA1549; minus strand). Cytogenetic location: 7q34.
Variant type: single nucleotide variant.
Coding change: c.1640A>G on transcript NM_001164665.2 (MANE Select); coding-DNA position 1640, A replaced by G.
Protein change: p.Gln547Arg; replaces glutamine 547 with arginine.
Molecular consequence: missense variant.
Genome position (GRCh38, 1-based): chr7:138,917,986, T>C on the plus strand (A>G on the coding strand, the complement: KIAA1549 is on the minus strand). VCF-style: chr7-138917986-T-C. GRCh37 (hg19) VCF-style: chr7-138602732-T-C.
Other names: c.1640A>G, p.Gln547Arg (NM_020910.3); short protein forms Q547R.
Identifiers: ClinVar variation 2065619 (VCV002065619.4), dbSNP rs2485558446, ClinGen allele CA369397900.

ClinVar aggregate classification (germline): Uncertain significance (1 of 4 stars; one submission).

Allele frequency attached by ClinVar (database versions not stated): gnomAD exomes below 0.00001.
gnomAD v4.1: 2 of 1,596,992 alleles (0.00013%); highest among the groups gnomAD compares: Non-Finnish European, 0.00017%; no homozygotes.

Submission:

Labcorp Genetics (formerly Invitae), Labcorp
Classification: Uncertain significance. Last evaluated: 2021-12-29. Review status: criteria provided, single submitter. Criteria: Invitae Variant Classification Sherloc (09022015). Collection method: clinical testing. Allele origin: germline.
Comment: This sequence change replaces glutamine, which is neutral and polar, with arginine, which is basic and polar, at codon 547 of the KIAA1549 protein (p.Gln547Arg). In summary, the available evidence is currently insufficient to determine the role of this variant in disease. Therefore, it has been classified as a Variant of Uncertain Significance. Algorithms developed to predict the effect of missense changes on protein structure and function (SIFT, PolyPhen-2, Align-GVGD) all suggest that this variant is likely to be tolerated. This variant has not been reported in the literature in individuals affected with KIAA1549-related conditions. This variant is not present in population databases (gnomAD no frequency).